The following is an entry in ClinVar:

ClinVar aggregate classification (germline): Uncertain significance. Review status: criteria provided, multiple submitters, no conflicts (2 of 4 stars). 2 submissions from 2 submitters: Uncertain significance (2). Last evaluated 2025-12-04.

Conditions:
Inborn genetic diseases. Identifiers: MedGen C0950123, MeSH D030342.

Allele frequency attached by ClinVar (database versions not stated): ExAC 0.00006; gnomAD 0.00003; 1000 Genomes Project 30x 0.00016; 1000 Genomes Project 0.00020; gnomAD exomes 0.00003; TOPMed 0.00002.

Submissions (2):

Ambry Genetics
Classification: Uncertain significance for Inborn genetic diseases. Last evaluated: 2025-12-04. Review status: criteria provided, single submitter. Criteria: Ambry Variant Classification Scheme 2023. Collection method: clinical testing. Allele origin: germline.

Labcorp Genetics (formerly Invitae), Labcorp
Classification: Uncertain significance. Last evaluated: 2022-04-12. Review status: criteria provided, single submitter. Criteria: Invitae Variant Classification Sherloc (09022015). Collection method: clinical testing. Allele origin: germline.
Comment: This sequence change replaces arginine, which is basic and polar, with cysteine, which is neutral and slightly polar, at codon 1082 of the SPEG protein (p.Arg1082Cys). This variant is present in population databases (rs564733082, gnomAD 0.006%). This variant has not been reported in the literature in individuals affected with SPEG-related conditions. Algorithms developed to predict the effect of missense changes on protein structure and function are either unavailable or do not agree on the potential impact of this missense change (SIFT: "Deleterious"; PolyPhen-2: "Probably Damaging"; Align-GVGD: "Class C0"). In summary, the available evidence is currently insufficient to determine the role of this variant in disease. Therefore, it has been classified as a Variant of Uncertain Significance.

NM_005876.5(SPEG):c.3244C>T (p.Arg1082Cys)

Gene: SPEG (striated muscle enriched protein kinase; plus strand). Cytogenetic location: 2q35.
Variant type: single nucleotide variant.
Coding change: c.3244C>T on transcript NM_005876.5 (MANE Select); coding-DNA position 3244, C replaced by T.
Protein change: p.Arg1082Cys; replaces arginine 1082 with cysteine.
Molecular consequence: missense variant.
Genome position (GRCh38, 1-based): chr2:219,468,679, C>T. VCF-style: chr2-219468679-C-T. GRCh37 (hg19) VCF-style: chr2-220333401-C-T.
Other names: c.3244C>T (NM_005876.4); short protein forms R1082C.
Identifiers: ClinVar variation 2390414 (VCV002390414.6), dbSNP rs564733082, ClinGen allele CA2126102.